The following is an entry in ClinVar:

NM_000337.6(SGCD):c.488G>A (p.Arg163Lys)

Gene: SGCD (sarcoglycan delta; plus strand). Cytogenetic location: 5q33.3.
Variant type: single nucleotide variant.
Coding change: c.488G>A on transcript NM_000337.6 (MANE Select); coding-DNA position 488, G replaced by A.
Protein change: p.Arg163Lys; replaces arginine 163 with lysine.
Molecular consequence: missense variant.
Genome position (GRCh38, 1-based): chr5:156,595,037, G>A. VCF-style: chr5-156595037-G-A. GRCh37 (hg19) VCF-style: chr5-156022047-G-A.
Other names: c.485G>A, p.Arg162Lys (NM_001128209.2); c.488G>A, p.Arg163Lys (NM_172244.3); short protein forms R163K, R162K.
Identifiers: ClinVar variation 1986426 (VCV001986426.3), dbSNP rs777821711, ClinGen allele CA362010792.

ClinVar aggregate classification (germline): Uncertain significance (1 of 4 stars; one submission).

Conditions:
Autosomal recessive limb-girdle muscular dystrophy type 2F (LGMDR6). Also called: Muscular dystrophy limb-girdle with delta-sarcoglyan deficiency; MUSCULAR DYSTROPHY, LIMB-GIRDLE, AUTOSOMAL RECESSIVE 6. Identifiers: Orphanet 219, MedGen C1832525, MONDO:0011028, OMIM 601287. Disease mechanism: Affects gamma-sarcoglycan and also disrupts the integrity of the entire sarcoglycan complex..

Submission:

Labcorp Genetics (formerly Invitae), Labcorp
Classification: Uncertain significance for Autosomal recessive limb-girdle muscular dystrophy type 2F. Last evaluated: 2022-01-15. Review status: criteria provided, single submitter. Criteria: Invitae Variant Classification Sherloc (09022015). Collection method: clinical testing. Allele origin: germline.
Comment: In summary, the available evidence is currently insufficient to determine the role of this variant in disease. Therefore, it has been classified as a Variant of Uncertain Significance. Algorithms developed to predict the effect of missense changes on protein structure and function (SIFT, PolyPhen-2, Align-GVGD) all suggest that this variant is likely to be tolerated. This variant has not been reported in the literature in individuals affected with SGCD-related conditions. This variant is not present in population databases (gnomAD no frequency). This sequence change replaces arginine, which is basic and polar, with lysine, which is basic and polar, at codon 163 of the SGCD protein (p.Arg163Lys).